The following is an entry in ClinVar:

ClinVar aggregate classification (germline): Pathogenic/Likely pathogenic. Review status: criteria provided, multiple submitters, no conflicts (2 of 4 stars). 12 submissions from 12 submitters: Pathogenic (9); Likely pathogenic (1). 2 of the submissions do not count toward it. Last evaluated 2025-11-28.

Conditions:
Carnitine deficiency. Identifiers: MedGen C1142132.
SLC22A5-related disorder. Also called: SLC22A5-related condition.
Renal carnitine transport defect (CDSP). Also called: Systemic primary carnitine deficiency disease; Carnitine transporter deficiency; Carnitine Deficiency, Systemic; CARNITINE DEFICIENCY, SYSTEMIC, DUE TO DEFECT IN RENAL REABSORPTION OF CARNITINE; CARNITINE TRANSPORTER, PLASMA-MEMBRANE, DEFICIENCY OF; CARNITINE UPTAKE DEFECT. Identifiers: Orphanet 158, MedGen C0342788, MONDO:0008919, OMIM 212140.

Allele frequency attached by ClinVar (database versions not stated): TOPMed 0.00002; ExAC 0.00006; gnomAD exomes 0.00002 and 0.00004; gnomAD 0.00003.
gnomAD v4.1: 36 of 1,614,078 alleles (0.0022%); highest among the groups gnomAD compares: East Asian, 0.016%; no homozygotes.

Submissions (13):

Labcorp Genetics (formerly Invitae), Labcorp
Classification: Pathogenic for Renal carnitine transport defect. Last evaluated: 2025-11-28. Review status: criteria provided, single submitter. Criteria: Invitae Variant Classification Sherloc (09022015). Collection method: clinical testing. Allele origin: germline.
Comment: This sequence change replaces arginine, which is basic and polar, with glutamine, which is neutral and polar, at codon 169 of the SLC22A5 protein (p.Arg169Gln). This variant is present in population databases (rs121908889, gnomAD 0.02%). This missense change has been observed in individual(s) with primary carnitine deficiency (PMID: 10425211, 20574985, 21922592, 23090741, 26828774). In at least one individual the data is consistent with being in trans (on the opposite chromosome) from a pathogenic variant. ClinVar contains an entry for this variant (Variation ID: 6421). Invitae Evidence Modeling of protein sequence and biophysical properties (such as structural, functional, and spatial information, amino acid conservation, physicochemical variation, residue mobility, and thermodynamic stability) indicates that this missense variant is expected to disrupt SLC22A5 protein function with a positive predictive value of 95%. This variant disrupts the p.Arg169 amino acid residue in SLC22A5. Other variant(s) that disrupt this residue have been determined to be pathogenic (PMID: 11058897, 12210323, 23090741). This suggests that this residue is clinically significant, and that variants that disrupt this residue are likely to be disease-causing. For these reasons, this variant has been classified as Pathogenic.

Natera, Inc.
Classification: Pathogenic for Carnitine deficiency. Last evaluated: 2025-09-23. Review status: criteria provided, single submitter. Criteria: Natera Variant Classification Schema (03/2026). Collection method: clinical testing. Allele origin: germline.
Comment: The c.506G>A variant in SLC22A5 is a missense variant predicted to cause substitution of arginine to glutamine at amino acid 169. This variant is rare in the general population with a frequency below the threshold expected for the associated phenotype(s). This variant has been observed in one or more individuals affected with the associated recessive disease, as either homozygous or compound heterozygous with a second variant (PMID: 10425211, 20574985, 21922592, 36200720). Given the available evidence, this variant is classified as Pathogenic.

3billion
Classification: Likely pathogenic for Renal carnitine transport defect. Last evaluated: 2024-11-25. Review status: criteria provided, single submitter. Criteria: ACMG Guidelines, 2015. Collection method: clinical testing. Allele origin: germline. Affected: yes.
Comment: The variant is observed at an extremely low frequency in the gnomAD v4.1.0 dataset (total allele frequency: 0.002%). Predicted Consequence/Location: Missense variant In silico tool predictions suggest damaging effect of the variant on gene or gene product [REVEL: 0.91 (>=0.6, sensitivity 0.68 and specificity 0.92); 3Cnet: 0.99 (>=0.6, sensitivity 0.72 and precision 0.9)]. The same nucleotide change resulting in the same amino acid change has been previously reported as pathogenic/likely pathogenic with strong evidence (ClinVar ID: VCV000006421 /PMID: 10425211). Different missense changes at the same codon (p.Arg169Pro, p.Arg169Trp) have been reported as pathogenic/likely pathogenic with strong evidence (ClinVar ID: VCV000006422, VCV000945707 /PMID: 11058897, 28841266). Therefore, this variant is classified as Likely pathogenic according to the recommendation of ACMG/AMP guideline.

Fulgent Genetics
Classification: Pathogenic for Renal carnitine transport defect. Last evaluated: 2024-04-29. Review status: criteria provided, single submitter. Criteria: ACMG Guidelines, 2015. Collection method: clinical testing. Allele origin: germline.

Laboratory of Medical Genetics, National & Kapodistrian University of Athens
Classification: Pathogenic for Renal carnitine transport defect. Last evaluated: 2024-02-01. Review status: criteria provided, single submitter. Criteria: ACMG Guidelines, 2015. Collection method: curation. Allele origin: germline. Affected: no.

Blueprint Genetics
Classification: Pathogenic for SLC22A5-related disorders. Last evaluated: 2024-01-30. Review status: criteria provided, single submitter. Criteria: ACMG Guidelines, 2015. Collection method: clinical testing. Allele origin: germline. Affected: yes. Observed: 1 variant allele.

GeneDx
Classification: Pathogenic. Last evaluated: 2022-09-25. Review status: criteria provided, single submitter. Criteria: GeneDx Variant Classification Process June 2021. Collection method: clinical testing. Allele origin: germline. Affected: yes.
Comment: Functional analysis of R169Q found that it is associated with significantly reduced carnitine transport compared to wild-type (Frigeni et al., 2017); Not observed at a significant frequency in large population cohorts (gnomAD); In silico analysis supports that this missense variant has a deleterious effect on protein structure/function; This variant is associated with the following publications: (PMID: 10425211, 20574985, 23090741, 21922592, 26828774, 28841266, 34178604, 33560599, 32853555)

Genome-Nilou Lab
Classification: Pathogenic for Renal carnitine transport defect. Last evaluated: 2021-07-15. Review status: criteria provided, single submitter. Criteria: ACMG Guidelines, 2015. Collection method: clinical testing. Allele origin: germline. Affected: no.

Women's Health and Genetics/Laboratory Corporation of America, LabCorp
Classification: Pathogenic for Renal carnitine transport defect. Last evaluated: 2018-04-10. Review status: criteria provided, single submitter. Criteria: LabCorp Variant Classification Summary - May 2015. Collection method: clinical testing. Allele origin: germline.
Comment: Variant summary: SLC22A5 c.506G>A (p.Arg169Gln) results in a conservative amino acid change that affects a highly conserved sequence motif in the encoded protein sequence (Burwinkel 1999). Four of five in-silico tools predict a damaging effect of the variant on protein function. The variant allele was found at a frequency of 4.5e-05 in 246204 control chromosomes. This frequency is not significantly higher than expected for a pathogenic variant in SLC22A5 causing Systemic Primary Carnitine Deficiency (4.5e-05 vs 0.0046), allowing no conclusion about variant significance. c.506G>A has been reported in the literature in individuals affected with Systemic Primary Carnitine Deficiency (Burwinkel 1999, Rose 2012, Yoon 2012). These data indicate that the variant is likely to be associated with disease. At least one publication reports experimental evidence evaluating an impact on protein function. The most pronounced variant effect results in <10% of normal activity (Rose 2012). One clinical diagnostic laboratory has submitted clinical-significance assessments for this variant to ClinVar after 2014 without evidence for independent evaluation and classified the variant as pathogenic. Based on the evidence outlined above, the variant was classified as pathogenic.

UNC Molecular Genetics  Laboratory, University of North Carolina at Chapel Hill
Classification: Pathogenic for Renal carnitine transport defect. Review status: criteria provided, single submitter. Criteria: ACMG Guidelines, 2015. Collection method: research. Allele origin: germline. Affected: yes. Observed: 1 variant allele. Study: NSIGHT-NC NEXUS.
Comment: The SLC22A5 c.506G>A (p.R169Q) missense variant has been reported in the homozygous and compound heterozygous state in individuals with systemic primary carnitine deficiency (PMID: 10425211; 21922592; 23090741; 20574985).

Counsyl
Classification: Likely pathogenic for Renal carnitine transport defect. Last evaluated: 2017-03-27. Review status: no assertion criteria provided. Collection method: clinical testing. Allele origin: unknown. Not counted in ClinVar's aggregate classification.

OMIM
Classification: Pathogenic for CARNITINE DEFICIENCY, SYSTEMIC PRIMARY. Last evaluated: 1999-08-02. Review status: no assertion criteria provided. Collection method: literature only. Allele origin: germline. Not counted in ClinVar's aggregate classification.

Dr. Peter K. Rogan Lab, Western University
No classification provided (evidence only). Condition: Ovarian serous cystadenocarcinoma. Review status: no classification provided. Collection method: in vitro. Allele origin: not applicable. Functional consequence: retained intron. Not counted in ClinVar's aggregate classification.

Literature cited by the submitters: PubMed 10425211 (cited by 7 submitters); PubMed 20574985 (cited by 4 submitters); PubMed 21922592 (cited by 5 submitters); PubMed 23090741 (cited by 4 submitters); PubMed 26828774 (cited by Labcorp Genetics (formerly Invitae), Labcorp); PubMed 11058897 (cited by 3 submitters); PubMed 12210323 (cited by Labcorp Genetics (formerly Invitae), Labcorp); PubMed 36200720 (cited by Natera, Inc.); PubMed 28841266 (cited by Women's Health and Genetics/Laboratory Corporation of America, LabCorp).

NM_003060.4(SLC22A5):c.506G>A (p.Arg169Gln)

Gene: SLC22A5 (solute carrier family 22 member 5; plus strand). Cytogenetic location: 5q31.1.
Variant type: single nucleotide variant.
Coding change: c.506G>A on transcript NM_003060.4 (MANE Select); coding-DNA position 506, G replaced by A.
Protein change: p.Arg169Gln; replaces arginine 169 with glutamine.
Molecular consequence: missense variant.
Genome position (GRCh38, 1-based): chr5:132,384,155, G>A. VCF-style: chr5-132384155-G-A. GRCh37 (hg19) VCF-style: chr5-131719847-G-A.
Other names: p.R169Q:CGG>CAG; c.578G>A, p.Arg193Gln (NM_001308122.2); short protein forms R169Q, R193Q.
Identifiers: ClinVar variation 6421 (VCV000006421.30), dbSNP rs121908889, ClinGen allele CA312938.